The following is an entry in ClinVar:

NM_005732.4(RAD50):c.1461G>T (p.Glu487Asp)

Gene: RAD50 (RAD50 double strand break repair protein; plus strand). Cytogenetic location: 5q31.1.
Variant type: single nucleotide variant.
Coding change: c.1461G>T on transcript NM_005732.4 (MANE Select); coding-DNA position 1461, G replaced by T.
Protein change: p.Glu487Asp; replaces glutamic acid 487 with aspartic acid.
Molecular consequence: missense variant.
Genome position (GRCh38, 1-based): chr5:132,591,232, G>T. VCF-style: chr5-132591232-G-T. GRCh37 (hg19) VCF-style: chr5-131926924-G-T.
Other names: short protein forms E487D.
Identifiers: ClinVar variation 1773173 (VCV001773173.2), dbSNP rs2149842117, ClinGen allele CA360945440.

ClinVar aggregate classification (germline): Uncertain significance (1 of 4 stars; one submission).

Conditions:
Hereditary cancer-predisposing syndrome. Also called: Hereditary Cancer Syndrome; Hereditary neoplastic syndrome; Neoplastic Syndromes, Hereditary; Tumor predisposition. Identifiers: Orphanet 140162, MedGen C0027672, MeSH D009386, MONDO:0015356.

Submission:

Ambry Genetics
Classification: Uncertain significance for Hereditary cancer-predisposing syndrome. Last evaluated: 2022-03-08. Review status: criteria provided, single submitter. Criteria: Ambry Variant Classification Scheme 2023. Collection method: clinical testing. Allele origin: germline.
Comment: The p.E487D variant (also known as c.1461G>T), located in coding exon 10 of the RAD50 gene, results from a G to T substitution at nucleotide position 1461. The glutamic acid at codon 487 is replaced by aspartic acid, an amino acid with highly similar properties. This amino acid position is conserved. In addition, this alteration is predicted to be tolerated by in silico analysis. Since supporting evidence is limited at this time, the clinical significance of this alteration remains unclear.